The following is an entry in ClinVar:

ClinVar aggregate classification (germline): Uncertain significance (1 of 4 stars; one submission).

Conditions:
Inborn genetic diseases. Identifiers: MedGen C0950123, MeSH D030342.

Submission:

Ambry Genetics
Classification: Uncertain significance for Inborn genetic diseases. Last evaluated: 2026-08-16. Review status: criteria provided, single submitter. Criteria: Ambry Variant Classification Scheme 2023. Collection method: clinical testing. Allele origin: germline.
Comment: The p.L67P variant (also known as c.200T>C), located in coding exon 1 of the G6PC3 gene, results from a T to C substitution at nucleotide position 200. The leucine at codon 67 is replaced by proline, an amino acid with similar properties. This amino acid position is conserved. In addition, this alteration is predicted to be deleterious by in silico analysis. Based on the available evidence, the clinical significance of this variant remains unclear.

NM_138387.4(G6PC3):c.200T>C (p.Leu67Pro)

Genes: G6PC3 (glucose-6-phosphatase catalytic subunit 3; plus strand), LOC130060959 (ATAC-STARR-seq lymphoblastoid active region 12250; plus strand). Cytogenetic location: 17q21.31.
Variant type: single nucleotide variant.
Coding change: c.200T>C on transcript NM_138387.4 (MANE Select); coding-DNA position 200, T replaced by C.
Protein change: p.Leu67Pro; replaces leucine 67 with proline.
Molecular consequence: missense variant. On other transcripts: 5 prime UTR variant (3), intron variant (1).
Genome position (GRCh38, 1-based): chr17:44,071,165, T>C. VCF-style: chr17-44071165-T-C. GRCh37 (hg19) VCF-style: chr17-42148533-T-C.
Other names: c.200T>C, p.Leu67Pro (NM_001319945.2); c.-205T>C (NM_001384165.1); c.-340T>C (NM_001384166.1); c.-330T>C (NM_001384167.1); c.-312+451T>C (NM_001384168.1); short protein forms L67P.
Identifiers: ClinVar variation 5022099 (VCV005022099.1).